The following is an entry in ClinVar:

ClinVar aggregate classification (germline): Benign/Likely benign. Review status: criteria provided, multiple submitters, no conflicts (2 of 4 stars). 4 submissions from 4 submitters: Benign (1); Likely benign (3). Last evaluated 2025-03-20.

Conditions:
Juvenile polyposis syndrome (JPS). Identifiers: Orphanet 2929, MedGen C0345893, MONDO:0017380, OMIM 174900.
Hereditary cancer-predisposing syndrome. Also called: Tumor predisposition; Neoplastic Syndromes, Hereditary; Hereditary Cancer Syndrome; Hereditary neoplastic syndrome. Identifiers: Orphanet 140162, MedGen C0027672, MeSH D009386, MONDO:0015356.

Allele frequency attached by ClinVar (database versions not stated): gnomAD exomes below 0.00001.
gnomAD v4.1: 2 of 1,614,084 alleles (0.00012%); highest among the groups gnomAD compares: Non-Finnish European, 0.00017%; no homozygotes.

Submissions (4):

Ambry Genetics
Classification: Likely benign for Hereditary cancer-predisposing syndrome. Last evaluated: 2025-03-20. Review status: criteria provided, single submitter. Criteria: Ambry Variant Classification Scheme 2023. Collection method: clinical testing. Allele origin: germline.

Myriad Genetics, Inc.
Classification: Benign for Juvenile polyposis syndrome. Last evaluated: 2024-08-01. Review status: criteria provided, single submitter. Criteria: Myriad Autosomal Dominant, Autosomal Recessive and X-Linked Classification Criteria (2023). Collection method: clinical testing. Allele origin: unknown.
Comment: This variant is considered benign. This variant is a silent/synonymous amino acid change and it is not expected to impact splicing.

Color Diagnostics, LLC DBA Color Health
Classification: Likely benign for Hereditary cancer-predisposing syndrome. Last evaluated: 2023-10-31. Review status: criteria provided, single submitter. Criteria: ACMG Guidelines, 2015. Collection method: clinical testing. Allele origin: germline.

Labcorp Genetics (formerly Invitae), Labcorp
Classification: Likely benign for Juvenile polyposis syndrome. Last evaluated: 2016-08-11. Review status: criteria provided, single submitter. Criteria: Invitae Variant Classification Sherloc (09022015). Collection method: clinical testing. Allele origin: germline.

NM_004329.3(BMPR1A):c.648T>C (p.Ser216=)

Gene: BMPR1A (bone morphogenetic protein receptor type 1A; plus strand). Cytogenetic location: 10q23.2.
Variant type: single nucleotide variant.
Coding change: c.648T>C on transcript NM_004329.3 (MANE Select); coding-DNA position 648, T replaced by C.
Protein change: p.Ser216=; no amino-acid change (serine 216 retained).
Molecular consequence: synonymous variant.
Genome position (GRCh38, 1-based): chr10:86,912,357, T>C. VCF-style: chr10-86912357-T-C. GRCh37 (hg19) VCF-style: chr10-88672114-T-C.
Identifiers: ClinVar variation 416806 (VCV000416806.13), dbSNP rs1060504905, ClinGen allele CA16612974.
Genomic context (GRCh38, chr10:86,912,357, plus strand): 5'-TGAAGCATTTATTCCAGTTGGAGAATCACTAAAAGACCTTATTGACCAGTCACAAAGTTC[T>C]GGTAGTGGGTCTGGACTACCTTTATTGGTAAGTTAAACGTTCCTATAGACATGAATGGTG-3'
Protein context (NP_004320.2, residues 206-226): LKDLIDQSQS[Ser216=]GSGSGLPLLV